The following is an entry in ClinVar:

ClinVar aggregate classification (germline): Uncertain significance. Review status: criteria provided, multiple submitters, no conflicts (2 of 4 stars). 2 submissions from 2 submitters: Uncertain significance (2). Last evaluated 2024-10-22.

Conditions:
Inborn genetic diseases. Identifiers: MedGen C0950123, MeSH D030342.
Hereditary spastic paraplegia 3A (SPG3A). Also called: SPASTIC PARAPLEGIA 3, AUTOSOMAL DOMINANT; FAMILIAL SPASTIC PARAPLEGIA, AUTOSOMAL DOMINANT, 1; SPG3; STRUMPELL DISEASE; Spastic Paraplegia 3A; Spastic paraplegia 3A, autosomal dominant. Identifiers: Orphanet 100984, MedGen C2931355, MONDO:0008437, OMIM 182600.

Allele frequency attached by ClinVar (database versions not stated): TOPMed 0.00001; ExAC 0.00002; gnomAD exomes 0.00002.
gnomAD v4.1: 16 of 1,613,942 alleles (0.00099%); highest among the groups gnomAD compares: Non-Finnish European, 0.0011%; no homozygotes.

Submissions (2):

Labcorp Genetics (formerly Invitae), Labcorp
Classification: Uncertain significance for Hereditary spastic paraplegia 3A. Last evaluated: 2024-10-22. Review status: criteria provided, single submitter. Criteria: Invitae Variant Classification Sherloc (09022015). Collection method: clinical testing. Allele origin: germline.
Comment: This sequence change replaces tryptophan, which is neutral and slightly polar, with cysteine, which is neutral and slightly polar, at codon 11 of the ATL1 protein (p.Trp11Cys). This variant is present in population databases (rs765421231, gnomAD 0.005%). This variant has not been reported in the literature in individuals affected with ATL1-related conditions. ClinVar contains an entry for this variant (Variation ID: 1416672). Invitae Evidence Modeling of protein sequence and biophysical properties (such as structural, functional, and spatial information, amino acid conservation, physicochemical variation, residue mobility, and thermodynamic stability) has been performed for this missense variant. However, the output from this modeling did not meet the statistical confidence thresholds required to predict the impact of this variant on ATL1 protein function. In summary, the available evidence is currently insufficient to determine the role of this variant in disease. Therefore, it has been classified as a Variant of Uncertain Significance.

Ambry Genetics
Classification: Uncertain significance for Inborn genetic diseases. Last evaluated: 2021-11-02. Review status: criteria provided, single submitter. Criteria: Ambry Variant Classification Scheme 2023. Collection method: clinical testing. Allele origin: germline.
Comment: The p.W11C variant (also known as c.33G>C), located in coding exon 1 of the ATL1 gene, results from a G to C substitution at nucleotide position 33. The tryptophan at codon 11 is replaced by cysteine, an amino acid with highly dissimilar properties. This amino acid position is highly conserved in available vertebrate species. In addition, this alteration is predicted to be tolerated by in silico analysis. Since supporting evidence is limited at this time, the clinical significance of this alteration remains unclear.

NM_015915.5(ATL1):c.33G>C (p.Trp11Cys)

Genes: ATL1 (atlastin GTPase 1; plus strand), MAP4K5 (mitogen-activated protein kinase kinase kinase kinase 5; minus strand). Cytogenetic location: 14q22.1.
Variant type: single nucleotide variant.
Coding change: c.33G>C on transcript NM_015915.5 (MANE Select); coding-DNA position 33, G replaced by C.
Protein change: p.Trp11Cys; replaces tryptophan 11 with cysteine.
Molecular consequence: missense variant.
Genome position (GRCh38, 1-based): chr14:50,560,298, G>C. VCF-style: chr14-50560298-G-C. GRCh37 (hg19) VCF-style: chr14-51027016-G-C.
Other names: c.33G>C, p.Trp11Cys (NM_001127713.1, NM_181598.4); short protein forms W11C.
Identifiers: ClinVar variation 1416672 (VCV001416672.10), dbSNP rs765421231, ClinGen allele CA7180148.
Genomic context (GRCh38, chr14:50,560,298, plus strand): 5'-CCTCACCGCCACCAGCTCCTGGACCACCATGGCCAAGAACCGCAGGGACAGAAACAGTTG[G>C]GGTGAGTAGCAAATGAGAACTTCTGCAGCCTGCACGGGGTCTTCTGGCCCTCCACTTTCT-3'
Protein context (NP_056999.2, residues 1-21): MAKNRRDRNS[Trp11Cys]GGFSEKTYEW